The following is an entry in ClinVar:

NM_031935.3(HMCN1):c.12726C>G (p.Asn4242Lys)

Gene: HMCN1 (hemicentin 1; plus strand). Cytogenetic location: 1q31.1.
Variant type: single nucleotide variant.
Coding change: c.12726C>G on transcript NM_031935.3 (MANE Select); coding-DNA position 12726, C replaced by G.
Protein change: p.Asn4242Lys; replaces asparagine 4242 with lysine.
Molecular consequence: missense variant.
Genome position (GRCh38, 1-based): chr1:186,128,113, C>G. VCF-style: chr1-186128113-C-G. GRCh37 (hg19) VCF-style: chr1-186097245-C-G.
Other names: short protein forms N4242K.
Identifiers: ClinVar variation 4710246 (VCV004710246.1).

ClinVar aggregate classification (germline): Uncertain significance (1 of 4 stars; one submission).

Submission:

Labcorp Genetics (formerly Invitae), Labcorp
Classification: Uncertain significance. Last evaluated: 2025-08-01. Review status: criteria provided, single submitter. Criteria: Invitae Variant Classification Sherloc (09022015). Collection method: clinical testing. Allele origin: germline.
Comment: This sequence change replaces asparagine, which is neutral and polar, with lysine, which is basic and polar, at codon 4242 of the HMCN1 protein (p.Asn4242Lys). This variant is not present in population databases (gnomAD no frequency). This variant has not been reported in the literature in individuals affected with HMCN1-related conditions. An algorithm developed to predict the effect of missense changes on protein structure and function (PolyPhen-2) suggests that this variant is likely to be disruptive. In summary, the available evidence is currently insufficient to determine the role of this variant in disease. Therefore, it has been classified as a Variant of Uncertain Significance.